The following is an entry in ClinVar:

NM_000387.6(SLC25A20):c.1A>G (p.Met1Val)

Gene: SLC25A20 (solute carrier family 25 member 20; minus strand). Cytogenetic location: 3p21.31.
Variant type: single nucleotide variant.
Coding change: c.1A>G on transcript NM_000387.6 (MANE Select); coding-DNA position 1, A replaced by G.
Protein change: p.Met1Val; changes the start codon (methionine 1).
Molecular consequence: missense variant, initiator codon variant.
Genome position (GRCh38, 1-based): chr3:48,898,794, T>C on the plus strand (A>G on the coding strand, the complement: SLC25A20 is on the minus strand). VCF-style: chr3-48898794-T-C. GRCh37 (hg19) VCF-style: chr3-48936227-T-C.
Other names: short protein forms M1V.
Identifiers: ClinVar variation 2729645 (VCV002729645.3), dbSNP rs745490594, ClinGen allele CA2387535.

ClinVar aggregate classification (germline): Pathogenic (1 of 4 stars; one submission).

Conditions:
Carnitine acylcarnitine translocase deficiency (CACTD). Identifiers: Orphanet 159, MedGen C0342791, MONDO:0008918, OMIM 212138.

Allele frequency attached by ClinVar (database versions not stated): ExAC 0.00003.

Submission:

Labcorp Genetics (formerly Invitae), Labcorp
Classification: Pathogenic for Carnitine acylcarnitine translocase deficiency. Last evaluated: 2023-11-15. Review status: criteria provided, single submitter. Criteria: Invitae Variant Classification Sherloc (09022015). Collection method: clinical testing. Allele origin: germline.
Comment: This sequence change affects the initiator methionine of the SLC25A20 mRNA. The next in-frame methionine is located at codon 51. This variant is not present in population databases (gnomAD no frequency). Disruption of the initiator codon has been observed in individual(s) with carnitine acylcarnitine translocase deficiency (PMID: 29137068, 34784499, 35360862). In at least one individual the data is consistent with being in trans (on the opposite chromosome) from a pathogenic variant. For these reasons, this variant has been classified as Pathogenic.

Literature cited by the submitters: PubMed 29137068; PubMed 34784499; PubMed 35360862.